The following is an entry in ClinVar:

NM_020117.11(LARS1):c.294+9G>A

Gene: LARS1 (leucyl-tRNA synthetase 1; minus strand). Cytogenetic location: 5q32.
Variant type: single nucleotide variant.
Coding change: c.294+9G>A on transcript NM_020117.11 (MANE Select); 9 bases into the intron after coding-DNA position 294, G replaced by A.
Molecular consequence: intron variant.
Genome position (GRCh38, 1-based): chr5:146,171,901, C>T on the plus strand (G>A on the coding strand, the complement: LARS1 is on the minus strand). VCF-style: chr5-146171901-C-T. GRCh37 (hg19) VCF-style: chr5-145551464-C-T.
Other names: c.132+9G>A (NM_001317965.2); c.213+786G>A (NM_016460.4); c.294+9G>A (NM_001317964.2).
Identifiers: ClinVar variation 138079 (VCV000138079.8), dbSNP rs375149812, ClinGen allele CA291872.

ClinVar aggregate classification (germline): Benign/Likely benign. Review status: criteria provided, multiple submitters, no conflicts (2 of 4 stars). 2 submissions from 2 submitters: Benign (1); Likely benign (1). Last evaluated 2025-12-22.

Allele frequency attached by ClinVar (database versions not stated): ESP Exome Variant Server 0.00031; TOPMed 0.00046; ExAC 0.00049; gnomAD 0.00049 and 0.00050; gnomAD exomes 0.00051 and 0.00063.
gnomAD v4.1: 968 of 1,598,154 alleles (0.061%); highest among the groups gnomAD compares: Non-Finnish European, 0.075%; 1 homozygote.

Submissions (2):

Labcorp Genetics (formerly Invitae), Labcorp
Classification: Likely benign. Last evaluated: 2025-12-22. Review status: criteria provided, single submitter. Criteria: Invitae Variant Classification Sherloc (09022015). Collection method: clinical testing. Allele origin: germline.

GeneDx
Classification: Benign. Last evaluated: 2014-03-22. Review status: criteria provided, single submitter. Criteria: GeneDx Variant Classification (06012015). Collection method: clinical testing. Allele origin: germline. Affected: yes.
Comment: This variant is considered likely benign or benign based on one or more of the following criteria: it is a conservative change, it occurs at a poorly conserved position in the protein, it is predicted to be benign by multiple in silico algorithms, and/or has population frequency not consistent with disease.